The following is an entry in ClinVar:

NM_005535.3(IL12RB1):c.1791+2T>G

Gene: IL12RB1 (interleukin 12 receptor subunit beta 1; minus strand). Cytogenetic location: 19p13.11.
Variant type: single nucleotide variant.
Coding change: c.1791+2T>G on transcript NM_005535.3 (MANE Select); the canonical splice donor site of the intron after coding-DNA position 1791, T replaced by G.
Molecular consequence: splice donor variant.
Genome position (GRCh38, 1-based): chr19:18,061,120, A>C on the plus strand (T>G on the coding strand, the complement: IL12RB1 is on the minus strand). VCF-style: chr19-18061120-A-C. GRCh37 (hg19) VCF-style: chr19-18171930-A-C.
Other names: c.1911+2T>G (NM_001290024.2); c.1791+2T>G (NM_001290023.2); c.1812+2T>G (NM_001440425.1, NM_001440424.1).
Identifiers: ClinVar variation 579038 (VCV000579038.20), dbSNP rs554063682, ClinGen allele CA9304689.

ClinVar aggregate classification (germline): Pathogenic. Review status: criteria provided, multiple submitters, no conflicts (2 of 4 stars). 6 submissions from 6 submitters: Pathogenic (5). 1 of the submissions does not count toward it. Last evaluated 2026-01-06.

Conditions:
IL12RB1-related disorder. Also called: IL12RB1-related condition.
Mendelian susceptibility to mycobacterial diseases due to complete IL12RB1 deficiency. Also called: IL12RB1 DEFICIENCY; Immunodeficiency 30. Identifiers: Orphanet 319552, MedGen C4013949, MONDO:0013955, OMIM 614891.
IL12RB1-related disorders.

Allele frequency attached by ClinVar (database versions not stated): gnomAD exomes 0.00008 and 0.00011; TOPMed 0.00008; gnomAD 0.00009 and 0.00006; ExAC 0.00030; 1000 Genomes Project 30x 0.00031; 1000 Genomes Project 0.00040.
gnomAD v4.1: 115 of 1,548,370 alleles (0.0074%); highest among the groups gnomAD compares: Admixed American, 0.01%; no homozygotes.

Submissions (7):

Labcorp Genetics (formerly Invitae), Labcorp
Classification: Pathogenic for Mendelian susceptibility to mycobacterial diseases due to complete IL12RB1 deficiency. Last evaluated: 2026-01-06. Review status: criteria provided, single submitter. Criteria: Invitae Variant Classification Sherloc (09022015). Collection method: clinical testing. Allele origin: germline.
Comment: This sequence change affects a donor splice site in intron 15 of the IL12RB1 gene. It is expected to disrupt RNA splicing. Variants that disrupt the donor or acceptor splice site typically lead to a loss of protein function (PMID: 16199547), and loss-of-function variants in IL12RB1 are known to be pathogenic (PMID: 9603733, 12591909). This variant is present in population databases (rs554063682, gnomAD 0.01%). Disruption of this splice site has been observed in individual(s) with IL12RB1 deficiency (PMID: 12591909, 21057261, 27141500). It has also been observed to segregate with disease in related individuals. ClinVar contains an entry for this variant (Variation ID: 579038). Algorithms developed to predict the effect of sequence changes on RNA splicing suggest that this variant may disrupt the consensus splice site. For these reasons, this variant has been classified as Pathogenic.

Dasa
Classification: Pathogenic. Last evaluated: 2025-05-28. Review status: criteria provided, single submitter. Criteria: DASA Assertion Criteria. Collection method: clinical testing. Allele origin: germline.
Comment: NM_005535.3(IL12RB1):c.1791+2T>G affects a canonical splice site and is predicted to disrupt normal RNA splicing, leading to loss of normal protein function. Loss-of-function is an established mechanism of disease for this gene. This variant has been reported in an affected individual with related phenotype in a genotype context consistent with recessive disease (PMID: 27141500). The variant is present at low frequency in population datasets. Based on the available data, this variant is classified as pathogenic.

PreventionGenetics, part of Exact Sciences
Classification: Pathogenic for IL12RB1-related condition. Last evaluated: 2025-05-02. Review status: criteria provided, single submitter. Criteria: ACMG Guidelines, 2015. Collection method: clinical testing. Allele origin: germline.
Comment: The IL12RB1 c.1791+2T>G variant is predicted to disrupt the GT donor site and interfere with normal splicing. This variant has been reported in individuals with IL12RB1 deficiency (See for example: Fieschi et al. 2003. PubMed ID: 12591909; de Beaucoudrey et al. 2010. PubMed ID: 21057261). This variant is reported in 0.014% of alleles in individuals of European (Non-Finnish) descent in gnomAD. Variants that disrupt the consensus splice donor site in IL12RB1 are expected to be pathogenic. This variant is interpreted as pathogenic.

Blueprint Genetics
Classification: Pathogenic for IL12RB1-related disorders. Last evaluated: 2024-06-05. Review status: criteria provided, single submitter. Criteria: ACMG Guidelines, 2015. Collection method: clinical testing. Allele origin: germline. Affected: yes. Observed: 5 variant alleles.

Neuberg Centre For Genomic Medicine, NCGM
Classification: Pathogenic for Mendelian susceptibility to mycobacterial diseases due to complete IL12RB1 deficiency. Review status: criteria provided, single submitter. Criteria: ACMG Guidelines, 2015. Collection method: clinical testing. Allele origin: germline. Affected: yes.
Comment: The splice donor variant c.1791+2T>G in IL12RB1 (NM_005535.3) has been reported previously in affected individuals with mendelian susceptibility to tuberculosis (Sarrafzadeh SA et al; de Beaucoudrey L et al; Fieschi C et al). This variant has been submitted to Clinvar as Pathogenic. It affects an invariant splice site and hence is predicted to cause loss of function. For these reasons, this variant has been classified as Pathogenic

Biochemical Molecular Genetic Laboratory, King Abdulaziz Medical City
Classification: Pathogenic for Mendelian susceptibility to mycobacterial diseases due to complete IL12RB1 deficiency. Last evaluated: 2020-09-10. Review status: no assertion criteria provided. Collection method: clinical testing. Allele origin: germline. Affected: yes. Not counted in ClinVar's aggregate classification.

Dr. Peter K. Rogan Lab, Western University
No classification provided (evidence only). Condition: Lung cancer. Review status: no classification provided. Collection method: in vitro. Allele origin: not applicable. Functional consequence: retained intron. Not counted in ClinVar's aggregate classification.

Literature cited by the submitters: PubMed 16199547 (cited by Labcorp Genetics (formerly Invitae), Labcorp); PubMed 9603733 (cited by Labcorp Genetics (formerly Invitae), Labcorp); PubMed 12591909 (cited by Labcorp Genetics (formerly Invitae), Labcorp); PubMed 21057261 (cited by Labcorp Genetics (formerly Invitae), Labcorp); PubMed 27141500 (cited by Labcorp Genetics (formerly Invitae), Labcorp and Dasa).